The following is an entry in ClinVar:

NM_001365276.2(TNXB):c.7650C>G (p.Asp2550Glu)

Gene: TNXB (tenascin XB; minus strand). Cytogenetic location: 6p21.33.
Variant type: single nucleotide variant.
Coding change: c.7650C>G on transcript NM_001365276.2 (MANE Select); coding-DNA position 7650, C replaced by G.
Protein change: p.Asp2550Glu; replaces aspartic acid 2550 with glutamic acid.
Molecular consequence: missense variant.
Genome position (GRCh38, 1-based): chr6:32,058,233, G>C on the plus strand (C>G on the coding strand, the complement: TNXB is on the minus strand). VCF-style: chr6-32058233-G-C. GRCh37 (hg19) VCF-style: chr6-32026010-G-C.
Other names: c.7650C>G, p.Asp2550Glu (NM_019105.8); short protein forms D2550E.
Identifiers: ClinVar variation 2430888 (VCV002430888.1), dbSNP rs1777794464, ClinGen allele CA363551411.

ClinVar aggregate classification (germline): Uncertain significance (1 of 4 stars; one submission).

Allele frequency attached by ClinVar (database versions not stated): gnomAD exomes 0.00001.
gnomAD v4.1: 19 of 1,612,524 alleles (0.0012%); highest among the groups gnomAD compares: Non-Finnish European, 0.0014%; no homozygotes.

Submission:

GeneDx
Classification: Uncertain significance. Last evaluated: 2022-08-19. Review status: criteria provided, single submitter. Criteria: GeneDx Variant Classification Process June 2021. Collection method: clinical testing. Allele origin: germline. Affected: yes.
Comment: Not observed at significant frequency in large population cohorts (gnomAD); In silico analysis supports that this missense variant does not alter protein structure/function; Has not been previously published as pathogenic or benign to our knowledge